The following is an entry in ClinVar:

ClinVar aggregate classification (germline): Uncertain significance (1 of 4 stars; one submission).

Conditions:
Inborn genetic diseases. Identifiers: MedGen C0950123, MeSH D030342.

gnomAD v4.1: 1 of 1,613,750 alleles (0.000062%); highest among the groups gnomAD compares: Non-Finnish European, 0.000085%; no homozygotes.

Submission:

Ambry Genetics
Classification: Uncertain significance for Inborn genetic diseases. Last evaluated: 2019-12-20. Review status: criteria provided, single submitter. Criteria: Ambry Variant Classification Scheme 2023. Collection method: clinical testing. Allele origin: germline.
Comment: The p.A502S variant (also known as c.1504G>T), located in coding exon 12 of the ATL3 gene, results from a G to T substitution at nucleotide position 1504. The alanine at codon 502 is replaced by serine, an amino acid with similar properties. This amino acid position is not well conserved in available vertebrate species. In addition, this alteration is predicted to be tolerated by in silico analysis. Since supporting evidence is limited at this time, the clinical significance of this alteration remains unclear.

NM_015459.5(ATL3):c.1504G>T (p.Ala502Ser)

Genes: LNCROPM (lncRNA regulator of PLAAT3 mediated phospholipid metabolism; plus strand), ATL3 (atlastin GTPase 3; minus strand). Cytogenetic location: 11q13.1.
Variant type: single nucleotide variant.
Coding change: c.1504G>T on transcript NM_015459.5 (MANE Select); coding-DNA position 1504, G replaced by T.
Protein change: p.Ala502Ser; replaces alanine 502 with serine.
Molecular consequence: missense variant.
Genome position (GRCh38, 1-based): chr11:63,631,075, C>A on the plus strand (G>T on the coding strand, the complement: ATL3 is on the minus strand). VCF-style: chr11-63631075-C-A. GRCh37 (hg19) VCF-style: chr11-63398547-C-A.
Other names: c.1450G>T, p.Ala484Ser (NM_001290048.2); short protein forms A484S, A502S.
Identifiers: ClinVar variation 1774066 (VCV001774066.2), dbSNP rs2495620261, ClinGen allele CA381024805.